The following is an entry in ClinVar:

NM_001128205.2(SULF1):c.1133C>A (p.Pro378His)

Gene: SULF1 (sulfatase 1; plus strand). Cytogenetic location: 8q13.3.
Variant type: single nucleotide variant.
Coding change: c.1133C>A on transcript NM_001128205.2 (MANE Select); coding-DNA position 1133, C replaced by A.
Protein change: p.Pro378His; replaces proline 378 with histidine.
Molecular consequence: missense variant. On other transcripts: non-coding transcript variant (3).
Genome position (GRCh38, 1-based): chr8:69,603,263, C>A. VCF-style: chr8-69603263-C-A. GRCh37 (hg19) VCF-style: chr8-70515498-C-A.
Other names: c.1133C>A, p.Pro378His (NM_001128204.2, NM_001128206.2, NM_001412828.1 and 15 more transcripts); c.533C>A, p.Pro178His (NM_001412844.1, NM_001412845.1); c.-643C>A (NM_001412846.1); c.947C>A, p.Pro316His (NM_001412841.1, NM_001412842.1); short protein forms P178H, P316H, P378H.
Identifiers: ClinVar variation 2118612 (VCV002118612.4), dbSNP rs2537213663, ClinGen allele CA371226730.
Genomic context (GRCh38, chr8:69,603,263, plus strand): 5'-TCGTTCTCAACATTGACTTGGCCCCCACGATCCTGGATATTGCTGGGCTCGACACACCTC[C>A]TGATGTGGACGGCAAGTCTGTCCTCAAACTTCTGGACCCAGAAAAGCCAGGTAACAGGTG-3'
Protein context (NP_001121677.1, residues 368-388): ILDIAGLDTP[Pro378His]DVDGKSVLKL

ClinVar aggregate classification (germline): Uncertain significance (1 of 4 stars; one submission).

Submission:

Labcorp Genetics (formerly Invitae), Labcorp
Classification: Uncertain significance. Last evaluated: 2022-05-30. Review status: criteria provided, single submitter. Criteria: Invitae Variant Classification Sherloc (09022015). Collection method: clinical testing. Allele origin: germline.
Comment: This sequence change replaces proline, which is neutral and non-polar, with histidine, which is basic and polar, at codon 378 of the SULF1 protein (p.Pro378His). This variant is not present in population databases (gnomAD no frequency). This variant has not been reported in the literature in individuals affected with SULF1-related conditions. Algorithms developed to predict the effect of missense changes on protein structure and function are either unavailable or do not agree on the potential impact of this missense change (SIFT: "Deleterious"; PolyPhen-2: "Benign"; Align-GVGD: "Class C0"). In summary, the available evidence is currently insufficient to determine the role of this variant in disease. Therefore, it has been classified as a Variant of Uncertain Significance.